The following is an entry in ClinVar:

ClinVar aggregate classification (germline): Likely benign. Review status: criteria provided, multiple submitters, no conflicts (2 of 4 stars). 3 submissions from 3 submitters: Likely benign (3). Last evaluated 2025-12-27.

Conditions:
Duane-radial ray syndrome (DRRS). Also called: Okihiro Syndrome; ACRORENOOCULAR SYNDROME; DR SYNDROME; DUANE ANOMALY WITH RADIAL RAY ABNORMALITIES AND DEAFNESS; Duane-Radial Ray Syndrome/Okihiro Syndrome; Duane-Radial Ray Syndrome (DRRS) / Okihiro Syndrome. Identifiers: Orphanet 93293, Orphanet 959, MedGen C1623209, MONDO:0011812, OMIM 607323. Disease mechanism: gain of function.

Allele frequency attached by ClinVar (database versions not stated): gnomAD exomes 0.00019; ExAC 0.00020; gnomAD 0.00023 and 0.00024; ESP Exome Variant Server 0.00031; TOPMed 0.00031; 1000 Genomes Project 0.00080; 1000 Genomes Project 30x 0.00094.

Submissions (3):

Labcorp Genetics (formerly Invitae), Labcorp
Classification: Likely benign for Duane-radial ray syndrome. Last evaluated: 2025-12-27. Review status: criteria provided, single submitter. Criteria: Invitae Variant Classification Sherloc (09022015). Collection method: clinical testing. Allele origin: germline.

CeGaT Center for Human Genetics Tuebingen
Classification: Likely benign. Last evaluated: 2024-10-01. Review status: criteria provided, single submitter. Criteria: CeGaT Center For Human Genetics Tuebingen Variant Classification Criteria Version 2. Collection method: clinical testing. Allele origin: germline. Affected: yes. Observed: 1 variant allele.
Comment: SALL4: BP4, BP7

Blueprint Genetics
Classification: Likely benign. Last evaluated: 2024-07-24. Review status: criteria provided, single submitter. Criteria: ACMG Guidelines, 2015. Collection method: clinical testing. Allele origin: germline.

NM_020436.5(SALL4):c.2664C>T (p.His888=)

Gene: SALL4 (spalt like transcription factor 4; minus strand). Cytogenetic location: 20q13.2.
Variant type: single nucleotide variant.
Coding change: c.2664C>T on transcript NM_020436.5 (MANE Select); coding-DNA position 2664, C replaced by T.
Protein change: p.His888=; no amino-acid change (histidine 888 retained).
Molecular consequence: synonymous variant.
Genome position (GRCh38, 1-based): chr20:51,788,939, G>A on the plus strand (C>T on the coding strand, the complement: SALL4 is on the minus strand). VCF-style: chr20-51788939-G-A. GRCh37 (hg19) VCF-style: chr20-50405478-G-A.
Other names: c.1353C>T, p.His451= (NM_001318031.2).
Identifiers: ClinVar variation 1148183 (VCV001148183.24), dbSNP rs11698418, ClinGen allele CA9912035.